The following is an entry in ClinVar:

ClinVar aggregate classification (germline): Uncertain significance (1 of 4 stars; one submission).

Submission:

Labcorp Genetics (formerly Invitae), Labcorp
Classification: Uncertain significance. Last evaluated: 2021-08-29. Review status: criteria provided, single submitter. Criteria: Invitae Variant Classification Sherloc (09022015). Collection method: clinical testing. Allele origin: germline.
Comment: In summary, the available evidence is currently insufficient to determine the role of this variant in disease. Therefore, it has been classified as a Variant of Uncertain Significance. This sequence change replaces alanine with aspartic acid at codon 873 of the HYOU1 protein (p.Ala873Asp). The alanine residue is moderately conserved and there is a moderate physicochemical difference between alanine and aspartic acid. This variant is not present in population databases (ExAC no frequency). This variant has not been reported in the literature in individuals affected with HYOU1-related conditions. Algorithms developed to predict the effect of missense changes on protein structure and function are either unavailable or do not agree on the potential impact of this missense change (SIFT: "Not Available"; PolyPhen-2: "Benign"; Align-GVGD: "Not Available").

NM_006389.5(HYOU1):c.2618C>A (p.Ala873Asp)

Gene: HYOU1 (hypoxia up-regulated 1; minus strand). Cytogenetic location: 11q23.3.
Variant type: single nucleotide variant.
Coding change: c.2618C>A on transcript NM_006389.5 (MANE Select); coding-DNA position 2618, C replaced by A.
Protein change: p.Ala873Asp; replaces alanine 873 with aspartic acid.
Molecular consequence: missense variant.
Genome position (GRCh38, 1-based): chr11:119,046,780, G>T on the plus strand (C>A on the coding strand, the complement: HYOU1 is on the minus strand). VCF-style: chr11-119046780-G-T. GRCh37 (hg19) VCF-style: chr11-118917492-G-T.
Other names: c.2618C>A, p.Ala873Asp (NM_001130991.3); short protein forms A873D.
Identifiers: ClinVar variation 1378464 (VCV001378464.6), dbSNP rs1592132899, ClinGen allele CA382920181.